The following is an entry in ClinVar:

NM_000263.4(NAGLU):c.2158C>T (p.Arg720Ter)

Gene: NAGLU (N-acetyl-alpha-glucosaminidase; plus strand). Cytogenetic location: 17q21.2.
Variant type: single nucleotide variant.
Coding change: c.2158C>T on transcript NM_000263.4 (MANE Select); coding-DNA position 2158, C replaced by T.
Protein change: p.Arg720Ter; replaces arginine 720 with a stop codon.
Molecular consequence: nonsense.
Genome position (GRCh38, 1-based): chr17:42,544,164, C>T. VCF-style: chr17-42544164-C-T. GRCh37 (hg19) VCF-style: chr17-40696182-C-T.
Other names: short protein forms R720*.
Identifiers: ClinVar variation 553778 (VCV000553778.6), dbSNP rs1555622589, ClinGen allele CA399606288.

ClinVar aggregate classification (germline): Conflicting classifications of pathogenicity. Review status: criteria provided, conflicting classifications (1 of 4 stars). 4 submissions from 4 submitters: Likely pathogenic (1); Uncertain significance (2). 1 of the submissions does not count toward it. Last evaluated 2025-12-30.

Conditions:
Mucopolysaccharidosis, MPS-III-B (MPS3B). Also called: SANFILIPPO SYNDROME B; MPS III B; MUCOPOLYSACCHARIDOSIS, TYPE IIIB; Mucopolysaccharidosis type IIIB (Sanfilippo B); MPS IIIB (Sanfilippo Syndrome Type B); N-ACETYL-ALPHA-D-GLUCOSAMINIDASE DEFICIENCY. Identifiers: Orphanet 79270, MedGen C0086648, MONDO:0009656, OMIM 252920.
Charcot-Marie-Tooth disease axonal type 2V. Also called: CHARCOT-MARIE-TOOTH NEUROPATHY, TYPE 2V; CHARCOT-MARIE-TOOTH DISEASE, AXONAL, AUTOSOMAL DOMINANT, TYPE 2V. Identifiers: Orphanet 447964, MedGen C5569050, MONDO:0014665, OMIM 616491.

Allele frequency attached by ClinVar (database versions not stated): TOPMed below 0.00001; gnomAD exomes below 0.00001.
gnomAD v4.1: 5 of 1,613,712 alleles (0.00031%); highest among the groups gnomAD compares: Non-Finnish European, 0.00042%; no homozygotes.

Submissions (4):

Natera, Inc.
Classification: Likely pathogenic for Mucopolysaccharidosis type IIIB. Last evaluated: 2025-12-30. Review status: criteria provided, single submitter. Criteria: Natera Variant Classification Schema (03/2026). Collection method: clinical testing. Allele origin: germline.
Comment: The c.2158C>T variant in NAGLU is a nonsense variant predicted to introduce a stop codon at amino acid 720. This variant is expected to result in nonsense mediated decay, truncation, or a dysfunctional protein product. This variant is rare in the general population with a frequency below the threshold expected for the associated phenotype(s). Given the available evidence, this variant is classified as Likely Pathogenic.

3billion
Classification: Uncertain significance for Mucopolysaccharidosis, MPS-III-B. Last evaluated: 2023-07-11. Review status: criteria provided, single submitter. Criteria: ACMG Guidelines, 2015. Collection method: clinical testing. Allele origin: germline. Affected: yes.
Comment: The variant is not observed in the gnomAD v2.1.1 dataset. Predicted Consequence/Location: Stop-gained (nonsense): predicted to result in a loss or disruption of normal protein function through protein truncation. The predicted truncated protein may be shortened by less than 10%. Therefore, this variant is classified as VUS according to the recommendation of ACMG/AMP guideline.

Labcorp Genetics (formerly Invitae), Labcorp
Classification: Uncertain significance for Charcot-Marie-Tooth disease axonal type 2V; Mucopolysaccharidosis, MPS-III-B. Last evaluated: 2020-06-01. Review status: criteria provided, single submitter. Criteria: Invitae Variant Classification Sherloc (09022015). Collection method: clinical testing. Allele origin: germline.
Comment: This sequence change results in a premature translational stop signal in the NAGLU gene (p.Arg720*). While this is not anticipated to result in nonsense mediated decay, it is expected to disrupt the last 24 amino acids of the NAGLU protein. This variant is not present in population databases (ExAC no frequency). This variant has not been reported in the literature in individuals with NAGLU-related conditions. ClinVar contains an entry for this variant (Variation ID: 553778). Algorithms developed to predict the effect of sequence changes on RNA splicing suggest that this variant may create or strengthen a splice site, but this prediction has not been confirmed by published transcriptional studies. In summary, the available evidence is currently insufficient to determine the role of this variant in disease. Therefore, it has been classified as a Variant of Uncertain Significance.

Counsyl
Classification: Uncertain significance for Mucopolysaccharidosis, MPS-III-B. Last evaluated: 2017-11-15. Review status: no assertion criteria provided. Collection method: clinical testing. Allele origin: unknown. Not counted in ClinVar's aggregate classification.